The following is an entry in ClinVar:

NM_014709.4(USP34):c.2430G>A (p.Ala810=)

Gene: USP34 (ubiquitin specific peptidase 34; minus strand). Cytogenetic location: 2p15.
Variant type: single nucleotide variant.
Coding change: c.2430G>A on transcript NM_014709.4 (MANE Select); coding-DNA position 2430, G replaced by A.
Protein change: p.Ala810=; no amino-acid change (alanine 810 retained).
Molecular consequence: synonymous variant.
Genome position (GRCh38, 1-based): chr2:61,343,885, C>T on the plus strand (G>A on the coding strand, the complement: USP34 is on the minus strand). VCF-style: chr2-61343885-C-T. GRCh37 (hg19) VCF-style: chr2-61571020-C-T.
Identifiers: ClinVar variation 2650982 (VCV002650982.24), dbSNP rs761711516, ClinGen allele CA1677178.

ClinVar aggregate classification (germline): Likely benign (1 of 4 stars; one submission).

Allele frequency attached by ClinVar (database versions not stated): gnomAD 0.00003; ExAC 0.00004; TOPMed 0.00008.
gnomAD v4.1: 93 of 1,613,902 alleles (0.0058%); highest among the groups gnomAD compares: Middle Eastern, 0.36%; no homozygotes.

Submission:

CeGaT Center for Human Genetics Tuebingen
Classification: Likely benign. Last evaluated: 2023-01-01. Review status: criteria provided, single submitter. Criteria: CeGaT Center For Human Genetics Tuebingen Variant Classification Criteria Version 2. Collection method: clinical testing. Allele origin: germline. Affected: yes. Observed: 1 variant allele.
Comment: USP34: BP4, BP7